The following is an entry in ClinVar:

ClinVar aggregate classification (germline): Pathogenic. Review status: reviewed by expert panel (3 of 4 stars). 3 submissions from 3 submitters: Pathogenic (1). 2 of the submissions do not count toward it. Last evaluated 2017-12-15.

Conditions:
Hereditary breast ovarian cancer syndrome. Also called: Hereditary breast and ovarian cancer syndrome (HBOC); BRCA1- and BRCA2-Associated Hereditary Breast and Ovarian Cancer; Hereditary breast and/or ovarian cancer syndrome; Hereditary breast and ovarian cancer syndrome; Hereditary breast and ovarian cancer; Breast and ovarian cancer. Identifiers: Orphanet 145, MedGen C0677776, MeSH D061325, MONDO:0003582. Disease mechanism: loss of function.
Breast-ovarian cancer, familial, susceptibility to, 1 (BROVCA1). Also called: BRCA1 Hereditary Breast and Ovarian Cancer; OVARIAN CANCER, SUSCEPTIBILITY TO. Identifiers: Orphanet 145, MedGen C2676676, MONDO:0011450, OMIM 604370. Disease mechanism: loss of function.

Submissions (3):

Evidence-based Network for the Interpretation of Germline Mutant Alleles (ENIGMA)
Classification: Pathogenic for Breast-ovarian cancer, familial, susceptibility to, 1. Last evaluated: 2017-12-15. Review status: reviewed by expert panel. Criteria: ENIGMA BRCA1/2 Classification Criteria (2017-06-29). Collection method: curation. Allele origin: germline. Study: ENIGMA.
Comment: Variant allele predicted to encode a truncated non-functional protein.

Labcorp Genetics (formerly Invitae), Labcorp
Classification: Pathogenic for Hereditary breast ovarian cancer syndrome. Last evaluated: 2023-12-19. Review status: criteria provided, single submitter. Criteria: Invitae Variant Classification Sherloc (09022015). Collection method: clinical testing. Allele origin: germline. Not counted in ClinVar's aggregate classification.
Comment: This sequence change creates a premature translational stop signal (p.Ala322Lysfs*2) in the BRCA1 gene. It is expected to result in an absent or disrupted protein product. Loss-of-function variants in BRCA1 are known to be pathogenic (PMID: 20104584). This variant is not present in population databases (gnomAD no frequency). This variant has not been reported in the literature in individuals affected with BRCA1-related conditions. ClinVar contains an entry for this variant (Variation ID: 438947). For these reasons, this variant has been classified as Pathogenic.

Quest Diagnostics Nichols Institute San Juan Capistrano
Classification: Likely pathogenic. Last evaluated: 2017-06-30. Review status: criteria provided, single submitter. Criteria: Quest Diagnostics criteria. Collection method: clinical testing. Allele origin: germline. Not counted in ClinVar's aggregate classification.

Literature cited by the submitters: PubMed 20104584 (cited by Labcorp Genetics (formerly Invitae), Labcorp).

NM_007294.4(BRCA1):c.964_968del (p.Ala322fs)

Gene: BRCA1 (BRCA1 DNA repair associated; minus strand). Cytogenetic location: 17q21.31.
Variant type: Deletion.
Coding change: c.964_968del on transcript NM_007294.4 (MANE Select); coding-DNA positions 964 to 968, 5 bases deleted (GCTGG; older notation c.964_968delGCTGG).
Protein change: p.Ala322fs; shifts the reading frame from alanine 322.
Molecular consequence: frameshift variant. On other transcripts: intron variant (137).
Genome position (GRCh38, 1-based): chr17:43,094,563-43,094,567, CCAGC deleted on the plus strand (GCTGG on the coding strand, the reverse complement: BRCA1 is on the minus strand); deleting any 5 consecutive bases within chr17:43,094,563-43,094,570 gives the same sequence; the c. name uses the placement nearest the transcript's 3' end. VCF-style (leftmost placement, unchanged base first): chr17-43094562-TCCAGC-T. GRCh37 (hg19) VCF-style: chr17-41246579-TCCAGC-T.
Other names: c.964_968delGCTGG (NM_007294.3); c.751_755del, p.Ala251fs (NM_001407571.1, NM_001407853.1, NM_001407894.1 and 9 more transcripts); c.964_968del, p.Ala322fs (NM_001407581.1, NM_001407582.1, NM_001407583.1 and 30 more transcripts); c.961_965del, p.Ala321fs (NM_001407587.1, NM_001407590.1, NM_001407591.1 and 22 more transcripts); c.955_959del, p.Ala319fs (NM_001407646.1, NM_001407647.1); c.841_845del, p.Ala281fs (NM_001407648.1, NM_001407665.1, NM_001407666.1 and 19 more transcripts); c.838_842del, p.Ala280fs (NM_001407649.1, NM_001407670.1, NM_001407671.1 and 11 more transcripts); c.886_890del, p.Ala296fs (NM_001407653.1, NM_001407654.1, NM_001407655.1 and 4 more transcripts); and 41 more; short protein forms A275fs, A322fs, A233fs, A234fs, A255fs, A274fs, A280fs, A295fs.
Identifiers: ClinVar variation 438947 (VCV000438947.19), dbSNP rs1555592744, ClinGen allele CA645509520.
Genomic context (GRCh38, chr17:43,094,562, plus strand): 5'-ATTCAGATCTACCTTTTTTTCTGTGCTGGGAGTCCGCCTATCATTACATGTTTCCTTACT[TCCAGC>T]CCATCTGTTATGTTGGCTCCTTGCTAAGCCAGGCTGTTTGCTTTTATTACAGAATTCAGC-3'